The following is an entry in ClinVar:

NM_002029.4(FPR1):c.466C>T (p.Leu156Phe)

Gene: FPR1 (formyl peptide receptor 1; minus strand). Cytogenetic location: 19q13.41.
Variant type: single nucleotide variant.
Coding change: c.466C>T on transcript NM_002029.4 (MANE Select); coding-DNA position 466, C replaced by T.
Protein change: p.Leu156Phe; replaces leucine 156 with phenylalanine.
Molecular consequence: missense variant.
Genome position (GRCh38, 1-based): chr19:51,746,529, G>A on the plus strand (C>T on the coding strand, the complement: FPR1 is on the minus strand). VCF-style: chr19-51746529-G-A. GRCh37 (hg19) VCF-style: chr19-52249782-G-A.
Other names: c.466C>T, p.Leu156Phe (NM_001193306.2); short protein forms L156F.
Identifiers: ClinVar variation 1414778 (VCV001414778.6), dbSNP rs2083746822, ClinGen allele CA407118672.

ClinVar aggregate classification (germline): Uncertain significance (1 of 4 stars; one submission).

Conditions:
Gingival disorder. Also called: Gingival disease. Identifiers: MedGen C0017563, MONDO:0002021.

Allele frequency attached by ClinVar (database versions not stated): gnomAD exomes below 0.00001; TOPMed below 0.00001.

Submission:

Labcorp Genetics (formerly Invitae), Labcorp
Classification: Uncertain significance for Gingival disorder. Last evaluated: 2024-04-25. Review status: criteria provided, single submitter. Criteria: Invitae Variant Classification Sherloc (09022015). Collection method: clinical testing. Allele origin: germline.
Comment: This sequence change replaces leucine, which is neutral and non-polar, with phenylalanine, which is neutral and non-polar, at codon 156 of the FPR1 protein (p.Leu156Phe). This variant is not present in population databases (gnomAD no frequency). This variant has not been reported in the literature in individuals affected with FPR1-related conditions. ClinVar contains an entry for this variant (Variation ID: 1414778). Algorithms developed to predict the effect of missense changes on protein structure and function output the following: SIFT: "Not Available"; PolyPhen-2: "Benign"; Align-GVGD: "Not Available". The phenylalanine amino acid residue is found in multiple mammalian species, which suggests that this missense change does not adversely affect protein function. In summary, the available evidence is currently insufficient to determine the role of this variant in disease. Therefore, it has been classified as a Variant of Uncertain Significance.